The following is an entry in ClinVar:

NC_000007.13:g.(117182163_117188694)_(117188878_117199517)dup

Gene: CFTR (CF transmembrane conductance regulator; plus strand). Cytogenetic location: 7q31.2.
Variant type: Duplication.
Identifiers: ClinVar variation 2682361 (VCV002682361.1).

ClinVar aggregate classification (germline): Uncertain significance (1 of 4 stars; one submission).

Submission:

Women's Health and Genetics/Laboratory Corporation of America, LabCorp
Classification: Uncertain significance. Last evaluated: 2023-11-07. Review status: criteria provided, single submitter. Criteria: LabCorp Variant Classification Summary - May 2015. Collection method: clinical testing. Allele origin: germline.
Comment: Variant summary: The variant involves the duplication of exon 10 in the CFTR gene. A presumed nomenclature of c.(1209+1_1210-1)_(1392+1_1393-1)dup has been designated for the purposes of this classification. It is assumed to be a tandem duplication in direct orientation (Richardson_GIM_2018, Newman_AJHG_2015). This Copy Number Variant (CNV) is predicted to result in an in-frame duplication within this gene. The variant was absent in 21674 control chromosomes. The available data on variant occurrences in the general population are insufficient to allow any conclusion about variant significance. To our knowledge, no occurrence of c.(1209+1_1210-1)_(1392+1_1393-1)dup in individuals affected with Cystic Fibrosis and no experimental evidence demonstrating its impact on protein function have been reported. No submitters have cited clinical-significance assessments for this variant to ClinVar after 2014. Based on the evidence outlined above, the variant was classified as uncertain significance.